The following is an entry in ClinVar:

NM_020778.5(ALPK3):c.4410+1G>A

Gene: ALPK3 (alpha kinase 3; plus strand). Cytogenetic location: 15q25.3.
Variant type: single nucleotide variant.
Coding change: c.4410+1G>A on transcript NM_020778.5 (MANE Select); the canonical splice donor site of the intron after coding-DNA position 4410, G replaced by A.
Molecular consequence: splice donor variant.
Genome position (GRCh38, 1-based): chr15:84,862,916, G>A. VCF-style: chr15-84862916-G-A. GRCh37 (hg19) VCF-style: chr15-85406147-G-A.
Identifiers: ClinVar variation 1502283 (VCV001502283.6), dbSNP rs1214281478, ClinGen allele CA393363536.

ClinVar aggregate classification (germline): Likely pathogenic (1 of 4 stars; one submission).

Allele frequency attached by ClinVar (database versions not stated): gnomAD exomes below 0.00001.
gnomAD v4.1: 1 of 1,612,530 alleles (0.000062%); highest among the groups gnomAD compares: Non-Finnish European, 0.000085%; no homozygotes.

Submission:

Labcorp Genetics (formerly Invitae), Labcorp
Classification: Likely pathogenic. Last evaluated: 2022-05-12. Review status: criteria provided, single submitter. Criteria: Invitae Variant Classification Sherloc (09022015). Collection method: clinical testing. Allele origin: germline.
Comment: In summary, the currently available evidence indicates that the variant is pathogenic, but additional data are needed to prove that conclusively. Therefore, this variant has been classified as Likely Pathogenic. Algorithms developed to predict the effect of sequence changes on RNA splicing suggest that this variant may disrupt the consensus splice site. This variant has not been reported in the literature in individuals affected with ALPK3-related conditions. This variant is present in population databases (no rsID available, gnomAD 0.0009%). This sequence change affects a donor splice site in intron 10 of the ALPK3 gene. It is expected to disrupt RNA splicing. Variants that disrupt the donor or acceptor splice site typically lead to a loss of protein function (PMID: 16199547), and loss-of-function variants in ALPK3 are known to be pathogenic (PMID: 21441111, 26846950, 27106955, 34263907).

Literature cited by the submitters: PubMed 16199547; PubMed 21441111; PubMed 26846950; PubMed 27106955; PubMed 34263907.